The following is an entry in ClinVar:

NM_001036.6(RYR3):c.12431T>C (p.Met4144Thr)

Gene: RYR3 (ryanodine receptor 3; plus strand). Cytogenetic location: 15q14.
Variant type: single nucleotide variant.
Coding change: c.12431T>C on transcript NM_001036.6 (MANE Select); coding-DNA position 12431, T replaced by C.
Protein change: p.Met4144Thr; replaces methionine 4144 with threonine.
Molecular consequence: missense variant.
Genome position (GRCh38, 1-based): chr15:33,838,411, T>C. VCF-style: chr15-33838411-T-C. GRCh37 (hg19) VCF-style: chr15-34130612-T-C.
Other names: c.12416T>C, p.Met4139Thr (NM_001243996.4); short protein forms M4139T, M4144T.
Identifiers: ClinVar variation 1003230 (VCV001003230.8), dbSNP rs747261018, ClinGen allele CA7461401.

ClinVar aggregate classification (germline): Uncertain significance (1 of 4 stars; one submission).

Conditions:
Epileptic encephalopathy. Identifiers: MedGen C0543888, HP:0200134.

Allele frequency attached by ClinVar (database versions not stated): TOPMed 0.00003; gnomAD 0.00005 and 0.00006; gnomAD exomes 0.00005 and 0.00010; ExAC 0.00012.
gnomAD v4.1: 83 of 1,613,920 alleles (0.0051%); highest among the groups gnomAD compares: Non-Finnish European, 0.0055%; no homozygotes.

Submission:

Labcorp Genetics (formerly Invitae), Labcorp
Classification: Uncertain significance for Epileptic encephalopathy. Last evaluated: 2020-06-02. Review status: criteria provided, single submitter. Criteria: Invitae Variant Classification Sherloc (09022015). Collection method: clinical testing. Allele origin: germline.
Comment: This sequence change replaces methionine with threonine at codon 4144 of the RYR3 protein (p.Met4144Thr). The methionine residue is moderately conserved and there is a moderate physicochemical difference between methionine and threonine. This variant is present in population databases (rs747261018, ExAC 0.02%). This variant has not been reported in the literature in individuals with RYR3-related conditions. Algorithms developed to predict the effect of missense changes on protein structure and function output the following: SIFT: "Tolerated"; PolyPhen-2: "Benign"; Align-GVGD: "Class C0". The threonine amino acid residue is found in multiple mammalian species, suggesting that this missense change does not adversely affect protein function. These predictions have not been confirmed by published functional studies and their clinical significance is uncertain. In summary, the available evidence is currently insufficient to determine the role of this variant in disease. Therefore, it has been classified as a Variant of Uncertain Significance.